The following is an entry in ClinVar:

NM_025114.4(CEP290):c.6468A>G (p.Gly2156=)

Gene: CEP290 (centrosomal protein 290; minus strand). Cytogenetic location: 12q21.32.
Variant type: single nucleotide variant.
Coding change: c.6468A>G on transcript NM_025114.4 (MANE Select); coding-DNA position 6468, A replaced by G.
Protein change: p.Gly2156=; no amino-acid change (glycine 2156 retained).
Molecular consequence: synonymous variant.
Genome position (GRCh38, 1-based): chr12:88,060,884, T>C on the plus strand (A>G on the coding strand, the complement: CEP290 is on the minus strand). VCF-style: chr12-88060884-T-C. GRCh37 (hg19) VCF-style: chr12-88454661-T-C.
Other names: c.6468A>G (NM_025114.3).
Identifiers: ClinVar variation 2946659 (VCV002946659.4), dbSNP rs1255749762, ClinGen allele CA481064885.
Genomic context (GRCh38, chr12:88,060,884, plus strand): 5'-AATTACCTTCAATTTTTCATTTTCCTGCTCAATATTAGCCATTTTTTCACTAGTCAATAT[T>C]CCTGATGCTTTTTTCAACTGTTCATTTTCTCTCTGGACTTTTTCAACTACTTTTTTCATT-3'
Protein context (NP_079390.3, residues 2146-2166): RENEQLKKAS[Gly2156=]ILTSEKMANI

ClinVar aggregate classification (germline): Likely benign. Review status: criteria provided, multiple submitters, no conflicts (2 of 4 stars). 2 submissions from 2 submitters: Likely benign (2). Last evaluated 2024-11-23.

Conditions:
CEP290-related disorder. Also called: CEP290-related disorders; CEP290-related condition. Identifiers: MedGen CN239314.
Meckel-Gruber syndrome. Also called: Dysencephalia splachnocystica; DYSENCEPHALIA SPLANCHNOCYSTICA; GRUBER SYNDROME. Identifiers: Orphanet 564, MedGen C0265215, MONDO:0018921.
Joubert syndrome. Also called: Familial aplasia of the vermis; JOUBERT-BOLTSHAUSER SYNDROME. Identifiers: Orphanet 475, MedGen C5979921, MONDO:0018772.
Nephronophthisis. Also called: Juvenile Nephronophthisis. Identifiers: Orphanet 655, MedGen C0687120, MONDO:0019005, HP:0000090.

Allele frequency attached by ClinVar (database versions not stated): gnomAD exomes below 0.00001; gnomAD 0.00001; TOPMed 0.00001.
gnomAD v4.1: 2 of 1,547,360 alleles (0.00013%); highest among the groups gnomAD compares: African/African-American, 0.0027%; no homozygotes.

Submissions (2):

PreventionGenetics, part of Exact Sciences
Classification: Likely benign for CEP290-related condition. Last evaluated: 2024-11-23. Review status: criteria provided, single submitter. Criteria: ACMG Guidelines, 2015. Collection method: clinical testing. Allele origin: germline.
Comment: This variant is classified as likely benign based on ACMG/AMP sequence variant interpretation guidelines (Richards et al. 2015 PMID: 25741868, with internal and published modifications).

Labcorp Genetics (formerly Invitae), Labcorp
Classification: Likely benign for Joubert syndrome; Meckel-Gruber syndrome; Nephronophthisis. Last evaluated: 2023-11-06. Review status: criteria provided, single submitter. Criteria: Invitae Variant Classification Sherloc (09022015). Collection method: clinical testing. Allele origin: germline.